The following is an entry in ClinVar:

ClinVar aggregate classification (germline): Benign/Likely benign. Review status: criteria provided, multiple submitters, no conflicts (2 of 4 stars). 4 submissions from 4 submitters: Benign (1); Likely benign (3). Last evaluated 2026-07-10.

Conditions:
Rhabdoid tumor predisposition syndrome 2 (RTPS2). Identifiers: Orphanet 231108, Orphanet 69077, MedGen C2750074, MONDO:0013224, OMIM 613325.
Hereditary cancer-predisposing syndrome. Also called: Hereditary neoplastic syndrome; Neoplastic Syndromes, Hereditary; Tumor predisposition; Hereditary Cancer Syndrome. Identifiers: Orphanet 140162, MedGen C0027672, MeSH D009386, MONDO:0015356.

Allele frequency attached by ClinVar (database versions not stated): TOPMed 0.00001; gnomAD 0.00001.
gnomAD v4.1: 28 of 1,613,456 alleles (0.0017%); highest among the groups gnomAD compares: South Asian, 0.0055%; no homozygotes.

Submissions (4):

Myriad Genetics, Inc.
Classification: Benign for Rhabdoid tumor predisposition syndrome 2. Last evaluated: 2026-07-10. Review status: criteria provided, single submitter. Criteria: Myriad Autosomal Dominant, Autosomal Recessive and X-Linked Classification Criteria (2023). Collection method: clinical testing. Allele origin: unknown.
Comment: This variant is considered benign. This variant is a silent/synonymous amino acid change and it is not expected to impact splicing.

Labcorp Genetics (formerly Invitae), Labcorp
Classification: Likely benign for Rhabdoid tumor predisposition syndrome 2. Last evaluated: 2025-10-18. Review status: criteria provided, single submitter. Criteria: Invitae Variant Classification Sherloc (09022015). Collection method: clinical testing. Allele origin: germline.

Blueprint Genetics
Classification: Likely benign. Last evaluated: 2023-11-14. Review status: criteria provided, single submitter. Criteria: ACMG Guidelines, 2015. Collection method: clinical testing. Allele origin: germline.

Ambry Genetics
Classification: Likely benign for Hereditary cancer-predisposing syndrome. Last evaluated: 2018-11-26. Review status: criteria provided, single submitter. Criteria: Ambry Variant Classification Scheme 2023. Collection method: clinical testing. Allele origin: germline.

NM_003072.5(SMARCA4):c.1566C>T (p.Ile522=)

Gene: SMARCA4 (SWI/SNF related BAF chromatin remodeling complex subunit ATPase 4; plus strand). Cytogenetic location: 19p13.2.
Variant type: single nucleotide variant.
Coding change: c.1566C>T on transcript NM_003072.5 (MANE Select); coding-DNA position 1566, C replaced by T.
Protein change: p.Ile522=; no amino-acid change (isoleucine 522 retained).
Molecular consequence: synonymous variant. On other transcripts: non-coding transcript variant (1).
Genome position (GRCh38, 1-based): chr19:10,994,974, C>T. VCF-style: chr19-10994974-C-T. GRCh37 (hg19) VCF-style: chr19-11105650-C-T.
Other names: c.1566C>T, p.Ile522= (NM_001128844.3, NM_001128845.2, NM_001128846.2 and 4 more transcripts).
Identifiers: ClinVar variation 756864 (VCV000756864.17), dbSNP rs916632140, ClinGen allele CA305290930.